The following is an entry in ClinVar:

NM_001961.4(EEF2):c.866_868del (p.Phe289del)

Gene: EEF2 (eukaryotic translation elongation factor 2; minus strand). Cytogenetic location: 19p13.3.
Variant type: Deletion.
Coding change: c.866_868del on transcript NM_001961.4 (MANE Select); coding-DNA positions 866 to 868, 3 bases deleted (TCT; older notation c.866_868delTCT).
Protein change: p.Phe289del; deletes phenylalanine 289.
Genome position (GRCh38, 1-based): chr19:3,981,976-3,981,978, AGA deleted on the plus strand (TCT on the coding strand, the reverse complement: EEF2 is on the minus strand); deleting any 3 consecutive bases within chr19:3,981,976-3,981,980 gives the same sequence; the c. name uses the placement nearest the transcript's 3' end. VCF-style (leftmost placement, unchanged base first): chr19-3981975-CAGA-C. GRCh37 (hg19) VCF-style: chr19-3981973-CAGA-C.
Other names: short protein forms F289del.
Identifiers: ClinVar variation 3361519 (VCV003361519.1).

ClinVar aggregate classification (germline): Uncertain significance (1 of 4 stars; one submission).

Submission:

GeneDx
Classification: Uncertain significance. Last evaluated: 2023-07-26. Review status: criteria provided, single submitter. Criteria: GeneDx Variant Classification Process June 2021. Collection method: clinical testing. Allele origin: germline. Affected: yes.
Comment: Not observed at significant frequency in large population cohorts (gnomAD); In-frame deletion of 1 amino acid in a non-repeat region; In silico analysis supports a deleterious effect on protein structure/function; Has not been previously published as pathogenic or benign to our knowledge